The following is an entry in ClinVar:

ClinVar aggregate classification (germline): Uncertain significance. Review status: criteria provided, multiple submitters, no conflicts (2 of 4 stars). 2 submissions from 2 submitters: Uncertain significance (2). Last evaluated 2024-02-23.

Conditions:
Goldberg-Shprintzen syndrome. Identifiers: Orphanet 66629, MedGen C1836123, MONDO:0012280, OMIM 609460.

Allele frequency attached by ClinVar (database versions not stated): 1000 Genomes Project 30x 0.00047; 1000 Genomes Project 0.00060; gnomAD exomes 0.00002 and 0.00012; gnomAD 0.00006 and 0.00007; TOPMed 0.00006; ExAC 0.00013.
gnomAD v4.1: 45 of 1,614,122 alleles (0.0028%); highest among the groups gnomAD compares: East Asian, 0.091%; no homozygotes.

Submissions (2):

Labcorp Genetics (formerly Invitae), Labcorp
Classification: Uncertain significance. Last evaluated: 2024-02-23. Review status: criteria provided, single submitter. Criteria: Invitae Variant Classification Sherloc (09022015). Collection method: clinical testing. Allele origin: germline.
Comment: This sequence change replaces valine, which is neutral and non-polar, with isoleucine, which is neutral and non-polar, at codon 539 of the KIF1BP protein (p.Val539Ile). This variant is present in population databases (rs561448573, gnomAD 0.1%). This variant has not been reported in the literature in individuals affected with KIF1BP-related conditions. ClinVar contains an entry for this variant (Variation ID: 880495). An algorithm developed to predict the effect of missense changes on protein structure and function (PolyPhen-2) suggests that this variant is likely to be disruptive. In summary, the available evidence is currently insufficient to determine the role of this variant in disease. Therefore, it has been classified as a Variant of Uncertain Significance.

Illumina Laboratory Services, Illumina
Classification: Uncertain significance for Goldberg-Shprintzen syndrome. Last evaluated: 2018-01-12. Review status: criteria provided, single submitter. Criteria: ICSL Variant Classification Criteria 13 December 2019. Collection method: clinical testing. Allele origin: germline.

NM_015634.4(KIFBP):c.1615G>A (p.Val539Ile)

Gene: KIFBP (kinesin family binding protein; plus strand). Cytogenetic location: 10q22.1.
Variant type: single nucleotide variant.
Coding change: c.1615G>A on transcript NM_015634.4 (MANE Select); coding-DNA position 1615, G replaced by A.
Protein change: p.Val539Ile; replaces valine 539 with isoleucine.
Molecular consequence: missense variant.
Genome position (GRCh38, 1-based): chr10:69,016,165, G>A. VCF-style: chr10-69016165-G-A. GRCh37 (hg19) VCF-style: chr10-70775921-G-A.
Other names: short protein forms V539I.
Identifiers: ClinVar variation 880495 (VCV000880495.7), dbSNP rs561448573, ClinGen allele CA5529926.
Genomic context (GRCh38, chr10:69,016,165, plus strand): 5'-CTCTTCTTAGACTCCCTGAGAGACCCAAATAAAGTATTCCCTGAGCATATAGGGGAAGAT[G>A]TTCTTCGCCCTGCCATGTTAGCTAAGTTTCGAGTTGCCCGTCTCTATGGCAAAATCATTA-3'
Protein context (NP_056449.1, residues 529-549): KVFPEHIGED[Val539Ile]LRPAMLAKFR